The following is an entry in ClinVar:

ClinVar aggregate classification (germline): Pathogenic (1 of 4 stars; one submission).

Conditions:
BBS2-related ciliopathy. Identifiers: MedGen CN378634, MONDO:1040048.

Submission:

Myriad Genetics, Inc.
Classification: Pathogenic for BBS2-related ciliopathy. Last evaluated: 2025-12-01. Review status: criteria provided, single submitter. Criteria: Myriad Autosomal Dominant, Autosomal Recessive and X-Linked Classification Criteria (2023). Collection method: clinical testing. Allele origin: unknown.
Comment: NM_031885.3(BBS2):c.890dupA(Y297*) is a frameshift variant classified as pathogenic in the context of Bardet-Biedl syndrome, BBS2-related. Y297* has not been observed in cases with relevant disease. Relevant functional assessments of this variant are not available in the literature. Y297* has not been observed in referenced population frequency databases. In summary, NM_031885.3(BBS2):c.890dupA(Y297*) is a frameshift variant in a gene where loss of function is a known mechanism of disease, is predicted to disrupt protein function, and has been observed more frequently in cases with the relevant disease than in healthy populations. Please note: this variant was assessed in the context of healthy population screening.

NM_031885.5(BBS2):c.890dup (p.Tyr297Ter)

Gene: BBS2 (Bardet-Biedl syndrome 2; minus strand). Cytogenetic location: 16q13.
Variant type: Duplication.
Coding change: c.890dup on transcript NM_031885.5 (MANE Select); coding-DNA position 890, one base duplicated (A; older notation c.890dupA).
Protein change: p.Tyr297Ter; replaces tyrosine 297 with a stop codon.
Molecular consequence: nonsense. On other transcripts: non-coding transcript variant (5).
Genome position (GRCh38, 1-based): chr16:56,502,723, T duplicated on the plus strand (A on the coding strand, the reverse complement: BBS2 is on the minus strand). VCF-style (leftmost placement, unchanged base first): chr16-56502722-G-GT. GRCh37 (hg19) VCF-style: chr16-56536634-G-GT.
Other names: c.890dup, p.Tyr297Ter (NM_001377456.1); short protein forms Y297*.
Identifiers: ClinVar variation 5004305 (VCV005004305.1).
Genomic context (GRCh38, chr16:56,502,722, plus strand): 5'-TCCCAATTTACTTTCCCCATCCACTGAGCAGCAGATTAACTGTATGTGGCCATCCATCCG[G>GT]TAATCTCCCTCTACCACACCGGCAATTGCAGAAGAAAAATTGTCCTTAAAGATGACCTCC-3'